The following is an entry in ClinVar:

NM_020975.6(RET):c.53T>C (p.Leu18Pro)

Gene: RET (ret proto-oncogene; plus strand). Cytogenetic location: 10q11.21.
Variant type: single nucleotide variant.
Coding change: c.53T>C on transcript NM_020975.6 (MANE Select); coding-DNA position 53, T replaced by C.
Protein change: p.Leu18Pro; replaces leucine 18 with proline.
Molecular consequence: missense variant.
Genome position (GRCh38, 1-based): chr10:43,077,311, T>C. VCF-style: chr10-43077311-T-C. GRCh37 (hg19) VCF-style: chr10-43572759-T-C.
Other names: c.53T>C, p.Leu18Pro (NM_000323.2, NM_001406743.1, NM_001406744.1 and 38 more transcripts); short protein forms L18P.
Identifiers: ClinVar variation 1480994 (VCV001480994.11), dbSNP rs2132498957, ClinGen allele CA376768093.

ClinVar aggregate classification (germline): Uncertain significance. Review status: criteria provided, multiple submitters, no conflicts (2 of 4 stars). 2 submissions from 2 submitters: Uncertain significance (2). Last evaluated 2022-08-31.

Conditions:
Hereditary cancer-predisposing syndrome. Also called: Tumor predisposition; Hereditary Cancer Syndrome; Hereditary neoplastic syndrome; Neoplastic Syndromes, Hereditary. Identifiers: Orphanet 140162, MedGen C0027672, MeSH D009386, MONDO:0015356.
Multiple endocrine neoplasia, type 2 (MEN2). Identifiers: Orphanet 653, MedGen C4048306, MONDO:0019003. Disease mechanism: gain of function.

gnomAD v4.1: 1 of 1,511,688 alleles (0.000066%); highest among the groups gnomAD compares: Non-Finnish European, 0.000088%; no homozygotes.

Submissions (2):

Labcorp Genetics (formerly Invitae), Labcorp
Classification: Uncertain significance for Multiple endocrine neoplasia, type 2. Last evaluated: 2022-08-31. Review status: criteria provided, single submitter. Criteria: Invitae Variant Classification Sherloc (09022015). Collection method: clinical testing. Allele origin: germline.
Comment: This sequence change replaces leucine, which is neutral and non-polar, with proline, which is neutral and non-polar, at codon 18 of the RET protein (p.Leu18Pro). This variant is not present in population databases (gnomAD no frequency). In summary, the available evidence is currently insufficient to determine the role of this variant in disease. Therefore, it has been classified as a Variant of Uncertain Significance. Algorithms developed to predict the effect of missense changes on protein structure and function are either unavailable or do not agree on the potential impact of this missense change (SIFT: "Deleterious"; PolyPhen-2: "Possibly Damaging"; Align-GVGD: "Class C0"). ClinVar contains an entry for this variant (Variation ID: 1480994). This variant has not been reported in the literature in individuals affected with RET-related conditions.

Ambry Genetics
Classification: Uncertain significance for Hereditary cancer-predisposing syndrome. Last evaluated: 2022-03-19. Review status: criteria provided, single submitter. Criteria: Ambry Variant Classification Scheme 2023. Collection method: clinical testing. Allele origin: germline.
Comment: The p.L18P variant (also known as c.53T>C), located in coding exon 1 of the RET gene, results from a T to C substitution at nucleotide position 53. The leucine at codon 18 is replaced by proline, an amino acid with similar properties. This amino acid position is conserved. In addition, the in silico prediction for this alteration is inconclusive. Since supporting evidence is limited at this time, the clinical significance of this alteration remains unclear.